The following is an entry in ClinVar:

ClinVar aggregate classification (germline): Pathogenic/Likely pathogenic. Review status: criteria provided, multiple submitters, no conflicts (2 of 4 stars). 7 submissions from 7 submitters: Pathogenic (1); Likely pathogenic (5). 1 of the submissions does not count toward it. Last evaluated 2025-12-20.

Conditions:
Deficiency of acetyl-CoA acetyltransferase. Also called: 3-KETOTHIOLASE DEFICIENCY; 3-OXOTHIOLASE DEFICIENCY; Beta-ketothiolase deficiency; MITOCHONDRIAL ACETOACETYL-CoA THIOLASE DEFICIENCY. Identifiers: Orphanet 134, MedGen C1536500, MONDO:0008760, OMIM 203750. Disease mechanism: loss of function.

Allele frequency attached by ClinVar (database versions not stated): TOPMed below 0.00001; gnomAD 0.00001; ExAC 0.00002.
gnomAD v4.1: 10 of 1,613,590 alleles (0.00062%); highest among the groups gnomAD compares: East Asian, 0.0067%; no homozygotes.

Submissions (7):

Labcorp Genetics (formerly Invitae), Labcorp
Classification: Pathogenic for Deficiency of acetyl-CoA acetyltransferase. Last evaluated: 2025-12-20. Review status: criteria provided, single submitter. Criteria: Invitae Variant Classification Sherloc (09022015). Collection method: clinical testing. Allele origin: germline.
Comment: This sequence change replaces isoleucine, which is neutral and non-polar, with threonine, which is neutral and polar, at codon 312 of the ACAT1 protein (p.Ile312Thr). This variant is present in population databases (rs120074146, gnomAD 0.01%). This missense change has been observed in individual(s) with beta-ketothiolase deficiency (PMID: 9744475, 14518824, 25559898). In at least one individual the data is consistent with being in trans (on the opposite chromosome) from a pathogenic variant. It has also been observed to segregate with disease in related individuals. ClinVar contains an entry for this variant (Variation ID: 2844). Invitae Evidence Modeling of protein sequence and biophysical properties (such as structural, functional, and spatial information, amino acid conservation, physicochemical variation, residue mobility, and thermodynamic stability) indicates that this missense variant is expected to disrupt ACAT1 protein function with a positive predictive value of 95%. Experimental studies have shown that this missense change affects ACAT1 function (PMID: 9744475). For these reasons, this variant has been classified as Pathogenic.

Natera, Inc.
Classification: Likely pathogenic for Alpha-methylacetoacetic aciduria. Last evaluated: 2025-07-21. Review status: criteria provided, single submitter. Criteria: Natera Variant Classification Schema (03/2026). Collection method: clinical testing. Allele origin: germline.
Comment: The c.935T>C variant in ACAT1 is a missense variant predicted to cause substitution of isoleucine to threonine at amino acid 312. This variant is rare in the general population with a frequency below the threshold expected for the associated phenotype(s). This variant has been observed in one or more individuals affected with the associated recessive disease, as either homozygous or compound heterozygous with a second variant (PMID: 9744475). Functional studies show that this variant may disrupt protein function (PMID: 9744475). Computational prediction algorithms indicate this variant is likely to affect gene or protein function. Given the available evidence, this variant is classified as Likely Pathogenic.

Baylor Genetics
Classification: Likely pathogenic for Deficiency of acetyl-CoA acetyltransferase. Last evaluated: 2024-03-27. Review status: criteria provided, single submitter. Criteria: ACMG Guidelines, 2015. Collection method: clinical testing. Allele origin: unknown.

Women's Health and Genetics/Laboratory Corporation of America, LabCorp
Classification: Likely pathogenic for Deficiency of acetyl-CoA acetyltransferase. Last evaluated: 2022-09-07. Review status: criteria provided, single submitter. Criteria: LabCorp Variant Classification Summary - May 2015. Collection method: clinical testing. Allele origin: germline.
Comment: Variant summary: ACAT1 c.935T>C (p.Ile312Thr) results in a non-conservative amino acid change located in the Thiolase, C-terminal domain (IPR020617) of the encoded protein sequence. Five of five in-silico tools predict a damaging effect of the variant on protein function. The variant allele was found at a frequency of 1.6e-05 in 250888 control chromosomes. c.935T>C has been reported in the literature as a biallelic compound heterozygous genotype in at-least two individuals affected with Alpha-Methylacetoacetic Aciduria with subsequent citations by others (example, Fukao_1998 cited in Fukao_2001). These data indicate that the variant may be associated with disease. At least one publication reports experimental evidence evaluating an impact on protein function (Fukao_1998). The most pronounced variant effect results in <10% of normal Mitochondrial acetoacetyl-CoA thiolase (T2 enzyme) activity. Two clinical diagnostic laboratories have submitted clinical-significance assessments for this variant to ClinVar after 2014 without evidence for independent evaluation. All laboratories classified the variant as pathogenic/likely pathogenic. Based on the evidence outlined above, the variant was classified as likely pathogenic.

Fulgent Genetics
Classification: Likely pathogenic for Deficiency of acetyl-CoA acetyltransferase. Last evaluated: 2022-01-13. Review status: criteria provided, single submitter. Criteria: ACMG Guidelines, 2015. Collection method: clinical testing. Allele origin: unknown.

Department of Pediatrics, Gifu University
Classification: Likely pathogenic for Deficiency of acetyl-CoA acetyltransferase. Last evaluated: 2019-05-05. Review status: criteria provided, single submitter. Criteria: ACMG Guidelines, 2015. Collection method: research. Allele origin: germline. Affected: yes. Observed: 3 variant alleles. Clinical features observed: Ketoacidosis.

OMIM
Classification: Pathogenic for 3-KETOTHIOLASE DEFICIENCY. Last evaluated: 1998-01-01. Review status: no assertion criteria provided. Collection method: literature only. Allele origin: germline. Not counted in ClinVar's aggregate classification.

Literature cited by the submitters: PubMed 9744475 (cited by 5 submitters); PubMed 14518824 (cited by Labcorp Genetics (formerly Invitae), Labcorp); PubMed 25559898 (cited by Labcorp Genetics (formerly Invitae), Labcorp); PubMed 11161836 (cited by Women's Health and Genetics/Laboratory Corporation of America, LabCorp); PubMed 31268215 (cited by Department of Pediatrics, Gifu University).

NM_000019.4(ACAT1):c.935T>C (p.Ile312Thr)

Gene: ACAT1 (acetyl-CoA acetyltransferase 1; plus strand). Cytogenetic location: 11q22.3.
Variant type: single nucleotide variant.
Coding change: c.935T>C on transcript NM_000019.4 (MANE Select); coding-DNA position 935, T replaced by C.
Protein change: p.Ile312Thr; replaces isoleucine 312 with threonine.
Molecular consequence: missense variant.
Genome position (GRCh38, 1-based): chr11:108,142,545, T>C. VCF-style: chr11-108142545-T-C. GRCh37 (hg19) VCF-style: chr11-108013272-T-C.
Other names: c.935T>C, p.Ile312Thr (LRG_1400t1); short protein forms I312T.
Identifiers: ClinVar variation 2844 (VCV000002844.14), dbSNP rs120074146, ClinGen allele CA252470.
Genomic context (GRCh38, chr11:108,142,545, plus strand): 5'-CTCTGGTTCTCATGACGGCAGATGCAGCGAAGAGGCTCAATGTTACACCACTGGCAAGAA[T>C]AGTAGGTAAGGCCAGGCGAGGTGGCTCACACCTGTAATCCCAGCACTTTCGGAGGTTGAG-3'
Protein context (NP_000010.1, residues 302-322): KRLNVTPLAR[Ile312Thr]VAFADAAVEP